The following is an entry in ClinVar:

NM_001868.4(CPA1):c.626T>C (p.Ile209Thr)

Gene: CPA1 (carboxypeptidase A1; plus strand). Cytogenetic location: 7q32.2.
Variant type: single nucleotide variant.
Coding change: c.626T>C on transcript NM_001868.4 (MANE Select); coding-DNA position 626, T replaced by C.
Protein change: p.Ile209Thr; replaces isoleucine 209 with threonine.
Molecular consequence: missense variant.
Genome position (GRCh38, 1-based): chr7:130,383,724, T>C. VCF-style: chr7-130383724-T-C. GRCh37 (hg19) VCF-style: chr7-130023565-T-C.
Other names: short protein forms I209T.
Identifiers: ClinVar variation 3221838 (VCV003221838.2), dbSNP rs781986613, ClinGen allele CA4484879.

ClinVar aggregate classification (germline): Uncertain significance (1 of 4 stars; one submission).

Conditions:
Hereditary pancreatitis (PCTT). Also called: Hereditary chronic pancreatitis; PRSS1-Related Hereditary Pancreatitis. Identifiers: Orphanet 676, MedGen C0238339, MONDO:0008185, OMIM 167800.

Allele frequency attached by ClinVar (database versions not stated): ExAC 0.00001; gnomAD exomes 0.00001.
gnomAD v4.1: 3 of 1,614,220 alleles (0.00019%); highest among the groups gnomAD compares: South Asian, 0.0011%; no homozygotes.

Submission:

Ambry Genetics
Classification: Uncertain significance for Hereditary pancreatitis. Last evaluated: 2025-09-20. Review status: criteria provided, single submitter. Criteria: Ambry Variant Classification Scheme 2023. Collection method: clinical testing. Allele origin: germline.
Comment: The p.I209T variant (also known as c.626T>C), located in coding exon 6 of the CPA1 gene, results from a T to C substitution at nucleotide position 626. The isoleucine at codon 209 is replaced by threonine, an amino acid with similar properties. This amino acid position is conserved. In addition, this alteration is predicted to be tolerated by in silico analysis. Since supporting evidence is limited at this time, the clinical significance of this alteration remains unclear.